The following continues an entry in ClinVar:

NM_018026.4(PACS1):c.607C>T (p.Arg203Trp)

Gene: PACS1. ClinVar aggregate classification (germline): Pathogenic/Likely pathogenic. Pathogenic (48); Likely pathogenic (1).

Submissions 27 to 48 of 60:

Rady Children's Institute for Genomic Medicine, Rady Children's Hospital San Diego
Classification: Pathogenic for SCHUURS-HOEIJMAKERS SYNDROME. Last evaluated: 2020-08-04. Review status: criteria provided, single submitter. Criteria: ACMG Guidelines, 2015. Collection method: clinical testing. Allele origin: germline. Affected: yes.
Comment: This variant has been previously reported as a recurrent de novo change in patients with seizures, dysmorphic features, gastroesophageal reflux, cardiac abnormalities, intellectual disability, speech delay, (PMID: 28111752, 26842493). In vivo studies of the p.Arg203Trp variant in zebrafish embryos observed that it induces craniofacial defects, most likely in a dominant-negative fashion. This phenotype is driven by aberrant specification and migration of SOX10-positive cranial, but not enteric, neural-crest cells (PMID: 23159249). It is absent from the gnomAD population database and thus is presumed to be rare. The c.607C>T (p.Arg203Trp) variant affects a highly conserved amino acid and is predicted by multiple in silico tools to have a deleterious effect on protein function. Analysis of the parental samples was negative for the variant, indicating this variant likely occurred as a de novo event. Based on the available evidence, the c.607C>T (p.Arg203Trp) variant is classified as Pathogenic.

Breda Genetics srl
Classification: Pathogenic for Schuurs-Hoeijmakers syndrome. Last evaluated: 2020-07-29. Review status: criteria provided, single submitter. Criteria: ACMG Guidelines, 2015. Collection method: clinical testing. Allele origin: germline. Inheritance: Autosomal dominant inheritance. Affected: yes. Observed: 1 variant allele, 1 heterozygote.
Comment: The variant c.607C>T (p.Arg203Trp) in PACS1 is reported as pathogenic for Schuurs-Hoeijmakers syndrome in ClinVar (Variation ID: 39581) and as affects function in the Global Variome shared LOVD database v.3.0. There is no information on frequency in gnomAD, 1000 Genomes or NHLI Exome Sequencing Project (ESP). The nucleotide position is conserved across 35 mammalian species (GERP RS: 4.79). In silico analysis indicates that the variant might be damaging. This mutation has been firstly reported by Schuurs-Hoeijmakers et al. (2012) in 2 unrelated boys with mental retardation and a strikingly similar facial appearance. Later, different other groups reported the same de novo recurrent pathogenic variant in patients with a similar phenotype (Gadzicki et al., 2015; Martinez-Monseny et al.,2018; Dutta et al., 2019 and many others).

Department of Paediatrics and Adolescent Medicine, The University of Hong Kong
Classification: Pathogenic for Schuurs-Hoeijmakers syndrome. Last evaluated: 2020-06-02. Review status: criteria provided, single submitter. Criteria: ACMG Guidelines, 2015. Collection method: research. Allele origin: de novo. Inheritance: Autosomal dominant inheritance. Affected: yes.

Cambridge Genomics Laboratory, East Genomic Laboratory Hub, NHS Genomic Medicine Service
Classification: Pathogenic for Intellectual disability. Last evaluated: 2020-02-06. Review status: criteria provided, single submitter. Criteria: ACGS Best Practice Guidelines for Variant Classification in Rare Disease 2020. Collection method: clinical testing. Allele origin: germline. Affected: yes. Observed: 1 variant allele.

Illumina Laboratory Services, Illumina
Classification: Pathogenic for PACS1-related syndrome. Last evaluated: 2020-02-05. Review status: criteria provided, single submitter. Criteria: ICSLVariantClassificationCriteria RUGD 01 April 2020. Collection method: clinical testing. Allele origin: unknown.
Comment: Across a selection of available literature, the PACS1 c.607C>T (p.Arg203Trp) missense variant has been found in a heterozygous state in at least 35 individuals with PACS1-related Syndrome (Schuurs-Hoeijmakers et al. 2012; Farwell et al. 2015; Schuurs-Hoeijmakers et al. 2016, Lazaridis et al. 2016; Stern et al. 2017; Tarailo-Graovac et al. 2017; Bowling et al. 2017; Geisheker et al. 2017; Pefkianaki et al. 2018; Dutta et al. 2019). This variant was identified as de novo in the affected individuals in all instances where parental samples were available. Control data are unavailable for this variant, which is absent from the Genome Aggregation Database in an area of good sequencing coverage, so the variant is presumed to be rare. Expression of the variant PACS1 mRNA in zebrafish embryos induced craniofacial defects (Schuurs-Hoeijmakers et al. 2012). The authors also showed that the p.Arg203Trp variant results in the formation of cytoplasmic aggregates and altered protein trafficking, and suggested a dominant-negative affect on the protein. Based on the collective evidence, the p.Arg203Trp variant is classified as pathogenic for PACS1-related syndrome.

Cytogénomique, Hospices Civils de Lyon
Classification: Pathogenic for Global developmental delay. Last evaluated: 2019-11-01. Review status: criteria provided, single submitter. Criteria: ACMG Guidelines, 2015. Collection method: clinical testing. Allele origin: de novo. Affected: yes.

Center for Personalized Medicine, Children's Hospital Los Angeles
Classification: Pathogenic. Last evaluated: 2018-11-19. Review status: criteria provided, single submitter. Criteria: ACMG Guidelines, 2015. Collection method: clinical testing. Allele origin: germline. Affected: yes.

Equipe Genetique des Anomalies du Developpement, Université de Bourgogne
Classification: Pathogenic for Schuurs-Hoeijmakers syndrome. Last evaluated: 2018-06-05. Review status: criteria provided, single submitter. Criteria: ACMG Guidelines, 2015. Collection method: clinical testing. Allele origin: de novo. Affected: yes.

Genome Diagnostics Laboratory, University Medical Center Utrecht
Classification: Pathogenic for Schuurs-Hoeijmakers syndrome. Last evaluated: 2017-07-28. Review status: criteria provided, single submitter. Criteria: ACGS Guidelines, 2013. Collection method: clinical testing. Allele origin: germline. Affected: yes. Study: VKGL Data-share Consensus.

Fulgent Genetics
Classification: Pathogenic for Schuurs-Hoeijmakers syndrome. Last evaluated: 2017-05-18. Review status: criteria provided, single submitter. Criteria: ACMG Guidelines, 2015. Collection method: clinical testing. Allele origin: unknown.

HudsonAlpha Institute for Biotechnology
Classification: Pathogenic for Schuurs-Hoeijmakers syndrome. Last evaluated: 2017-04-13. Review status: criteria provided, single submitter. Criteria: HA_assertions_20161101. Collection method: research. Allele origin: unknown, de novo. Affected: yes. Observed: 2 variant alleles. Study: CSER-HudsonAlpha.

Cytogénomique, Hospices Civils de Lyon
Classification: Pathogenic for Schuurs-Hoeijmakers syndrome. Last evaluated: 2017-03-10. Review status: criteria provided, single submitter. Criteria: ACMG Guidelines, 2015. Collection method: clinical testing. Allele origin: de novo. Inheritance: Autosomal dominant inheritance. Affected: yes.

Clinical Genetics and Genomics, Karolinska University Hospital
Classification: Pathogenic. Last evaluated: 2016-11-11. Review status: criteria provided, single submitter. Criteria: ACMG Guidelines, 2015. Collection method: clinical testing. Allele origin: germline. Affected: yes. Observed: 2 variant alleles.

Genetic Services Laboratory, University of Chicago
Classification: Pathogenic for Schuurs-Hoeijmakers syndrome. Last evaluated: 2016-07-20. Review status: criteria provided, single submitter. Criteria: ACMG Guidelines, 2015. Collection method: clinical testing. Allele origin: germline. Affected: yes.

Center for Pediatric Genomic Medicine, Children's Mercy Hospital and Clinics
Classification: Pathogenic. Last evaluated: 2016-07-07. Review status: criteria provided, single submitter. Criteria: ACMG Guidelines, 2015. Collection method: clinical testing. Allele origin: de novo.

Centre for Mendelian Genomics, University Medical Centre Ljubljana
Classification: Pathogenic for Schuurs-Hoeijmakers syndrome. Last evaluated: 2016-01-01. Review status: criteria provided, single submitter. Criteria: ACMG Guidelines, 2015. Collection method: clinical testing. Allele origin: unknown. Affected: yes.
Comment: This variant was classified as: Pathogenic. The following ACMG criteria were applied in classifying this variant: PS1,PS3,PM1,PM2,PP2,PP3.

Genome Diagnostics Laboratory, Amsterdam University Medical Center
Classification: Pathogenic for Schuurs-Hoeijmakers syndrome. Last evaluated: 2015-11-23. Review status: criteria provided, single submitter. Criteria: ACGS Guidelines, 2013. Collection method: clinical testing. Allele origin: germline. Affected: yes. Study: VKGL Data-share Consensus.

Centre de Biologie Pathologie Génétique, Centre Hospitalier Universitaire de Lille
Classification: Pathogenic for Schuurs-Hoeijmakers syndrome. Review status: criteria provided, single submitter. Criteria: ACMG Guidelines, 2015. Collection method: clinical testing. Allele origin: de novo. Affected: yes.

Clinical Genetics Service, Universitary Hospital 12 de Octubre
Classification: Pathogenic for Schuurs-Hoeijmakers syndrome. Review status: criteria provided, single submitter. Criteria: ACMG Guidelines, 2015. Collection method: clinical testing. Allele origin: germline. Affected: yes.

Juno Genomics, Hangzhou Juno Genomics, Inc
Classification: Pathogenic for Schuurs-Hoeijmakers syndrome. Review status: criteria provided, single submitter. Criteria: ACMG Guidelines, 2015. Collection method: clinical testing. Allele origin: germline. Affected: yes.
Comment: Absent from controls (or at extremely low frequency if recessive) in Genome Aggregation Database.;Missense variant in a gene that has a low rate of benign missense variation.;The prevalence of the variant in affected individuals is significantly increased compared to the prevalence in controls.;Patient's phenotype or family history is highly specific for a disease with a single genetic etiology.;De novo (both maternity and paternity confirmed) in a patient with the disease and no family history.

Kasturba Medical College, Manipal, Kasturba Medical College, Manipal, Manipal Academy of Higher Education, Manipal, India
Classification: Pathogenic for Schuurs-Hoeijmakers syndrome. Review status: criteria provided, single submitter. Criteria: ACMG Guidelines, 2015. Collection method: clinical testing. Allele origin: de novo. Affected: yes.

Laboratoire de Génétique Moléculaire, CHU Bordeaux
Classification: Pathogenic. Review status: criteria provided, single submitter. Criteria: ACMG Guidelines, 2015. Collection method: clinical testing. Allele origin: germline. Affected: yes.